The following is an entry in ClinVar:

NM_144997.7(FLCN):c.404C>A (p.Pro135His)

Gene: FLCN (folliculin; minus strand). Cytogenetic location: 17p11.2.
Variant type: single nucleotide variant.
Coding change: c.404C>A on transcript NM_144997.7 (MANE Select); coding-DNA position 404, C replaced by A.
Protein change: p.Pro135His; replaces proline 135 with histidine.
Molecular consequence: missense variant.
Genome position (GRCh38, 1-based): chr17:17,224,136, G>T on the plus strand (C>A on the coding strand, the complement: FLCN is on the minus strand). VCF-style: chr17-17224136-G-T. GRCh37 (hg19) VCF-style: chr17-17127450-G-T.
Other names: c.458C>A, p.Pro153His (NM_001353229.2); c.404C>A, p.Pro135His (NM_001353230.2, NM_001353231.2, NM_144606.7); short protein forms P135H, P153H.
Identifiers: ClinVar variation 5021861 (VCV005021861.1).

ClinVar aggregate classification (germline): Uncertain significance (1 of 4 stars; one submission).

Conditions:
Hereditary cancer-predisposing syndrome. Also called: Neoplastic Syndromes, Hereditary; Tumor predisposition; Hereditary neoplastic syndrome; Hereditary Cancer Syndrome. Identifiers: Orphanet 140162, MedGen C0027672, MeSH D009386, MONDO:0015356.

Submission:

Ambry Genetics
Classification: Uncertain significance for Hereditary cancer-predisposing syndrome. Last evaluated: 2026-07-21. Review status: criteria provided, single submitter. Criteria: Ambry Variant Classification Scheme 2023. Collection method: clinical testing. Allele origin: germline.
Comment: The p.P135H variant (also known as c.404C>A), located in coding exon 3 of the FLCN gene, results from a C to A substitution at nucleotide position 404. The proline at codon 135 is replaced by histidine, an amino acid with similar properties. This amino acid position is conserved. In addition, this alteration is predicted to be deleterious by in silico analysis. Based on the available evidence, the clinical significance of this variant remains unclear.